The following is an entry in ClinVar:

ClinVar aggregate classification (germline): Uncertain significance. Review status: criteria provided, multiple submitters, no conflicts (2 of 4 stars). 2 submissions from 2 submitters: Uncertain significance (2). Last evaluated 2022-10-24.

Conditions:
Brown-Vialetto-van Laere syndrome 2. Also called: SPINOCEREBELLAR ATAXIA WITH BLINDNESS AND DEAFNESS 2; Riboflavin transporter deficiency type 2. Identifiers: Orphanet 572543, Orphanet 97229, MedGen C3553538, MONDO:0013867, OMIM 614707.

Allele frequency attached by ClinVar (database versions not stated): TOPMed 0.00001; 1000 Genomes Project 30x 0.00016.

Submissions (2):

Labcorp Genetics (formerly Invitae), Labcorp
Classification: Uncertain significance for Brown-Vialetto-van Laere syndrome 2. Last evaluated: 2022-10-24. Review status: criteria provided, single submitter. Criteria: Invitae Variant Classification Sherloc (09022015). Collection method: clinical testing. Allele origin: germline.
Comment: This sequence change replaces alanine, which is neutral and non-polar, with valine, which is neutral and non-polar, at codon 118 of the SLC52A2 protein (p.Ala118Val). This variant is present in population databases (rs117500243, gnomAD 0.003%). This variant has not been reported in the literature in individuals affected with SLC52A2-related conditions. ClinVar contains an entry for this variant (Variation ID: 858803). Advanced modeling of protein sequence and biophysical properties (such as structural, functional, and spatial information, amino acid conservation, physicochemical variation, residue mobility, and thermodynamic stability) performed at Invitae indicates that this missense variant is not expected to disrupt SLC52A2 protein function. In summary, the available evidence is currently insufficient to determine the role of this variant in disease. Therefore, it has been classified as a Variant of Uncertain Significance.

Blueprint Genetics
Classification: Uncertain significance. Last evaluated: 2017-06-21. Review status: criteria provided, single submitter. Criteria: ACMG Guidelines, 2015. Collection method: clinical testing. Allele origin: germline.

NM_001363118.2(SLC52A2):c.353C>T (p.Ala118Val)

Gene: SLC52A2 (solute carrier family 52 member 2; plus strand). Cytogenetic location: 8q24.3.
Variant type: single nucleotide variant.
Coding change: c.353C>T on transcript NM_001363118.2 (MANE Select); coding-DNA position 353, C replaced by T.
Protein change: p.Ala118Val; replaces alanine 118 with valine.
Molecular consequence: missense variant. On other transcripts: non-coding transcript variant (1), intron variant (1).
Genome position (GRCh38, 1-based): chr8:144,359,845, C>T. VCF-style: chr8-144359845-C-T. GRCh37 (hg19) VCF-style: chr8-145583505-C-T.
Other names: c.353C>T, p.Ala118Val (NM_001253815.2, NM_001253816.2, NM_001363120.2 and 2 more transcripts); c.131-270C>T (NM_001363122.2); short protein forms A118V.
Identifiers: ClinVar variation 858803 (VCV000858803.5), dbSNP rs117500243, ClinGen allele CA4938172.